The following is an entry in ClinVar:

NM_001142800.2(EYS):c.5651G>A (p.Ser1884Asn)

Gene: EYS (eyes shut homolog; minus strand). Cytogenetic location: 6q12.
Variant type: single nucleotide variant.
Coding change: c.5651G>A on transcript NM_001142800.2 (MANE Select); coding-DNA position 5651, G replaced by A.
Protein change: p.Ser1884Asn; replaces serine 1884 with asparagine.
Molecular consequence: missense variant.
Genome position (GRCh38, 1-based): chr6:64,439,346, C>T on the plus strand (G>A on the coding strand, the complement: EYS is on the minus strand). VCF-style: chr6-64439346-C-T. GRCh37 (hg19) VCF-style: chr6-65149239-C-T.
Other names: c.5651G>A, p.Ser1884Asn (NM_001292009.2); c.5651G>A (NM_001142800.1); short protein forms S1884N.
Identifiers: ClinVar variation 1406448 (VCV001406448.3), dbSNP rs1045693834, ClinGen allele CA140322084.

ClinVar aggregate classification (germline): Uncertain significance. Review status: criteria provided, multiple submitters, no conflicts (2 of 4 stars). 2 submissions from 2 submitters: Uncertain significance (2). Last evaluated 2022-10-27.

Allele frequency attached by ClinVar (database versions not stated): TOPMed below 0.00001; gnomAD 0.00001.
gnomAD v4.1: 11 of 1,493,052 alleles (0.00074%); highest among the groups gnomAD compares: Admixed American, 0.0027%; no homozygotes.

Submissions (2):

GeneDx
Classification: Uncertain significance. Last evaluated: 2022-10-27. Review status: criteria provided, single submitter. Criteria: GeneDx Variant Classification Process June 2021. Collection method: clinical testing. Allele origin: germline. Affected: yes.
Comment: In silico analysis supports that this missense variant does not alter protein structure/function; Has not been previously published as pathogenic or benign to our knowledge

Labcorp Genetics (formerly Invitae), Labcorp
Classification: Uncertain significance. Last evaluated: 2022-06-04. Review status: criteria provided, single submitter. Criteria: Invitae Variant Classification Sherloc (09022015). Collection method: clinical testing. Allele origin: germline.
Comment: This sequence change replaces serine, which is neutral and polar, with asparagine, which is neutral and polar, at codon 1884 of the EYS protein (p.Ser1884Asn). This variant is present in population databases (no rsID available, gnomAD 0.004%). This variant has not been reported in the literature in individuals affected with EYS-related conditions. ClinVar contains an entry for this variant (Variation ID: 1406448). Algorithms developed to predict the effect of missense changes on protein structure and function output the following: SIFT: "Tolerated"; PolyPhen-2: "Benign"; Align-GVGD: "Class C0". The asparagine amino acid residue is found in multiple mammalian species, which suggests that this missense change does not adversely affect protein function. In summary, the available evidence is currently insufficient to determine the role of this variant in disease. Therefore, it has been classified as a Variant of Uncertain Significance.